The following is an entry in ClinVar:

NM_001875.5(CPS1):c.4404+5A>T

Gene: CPS1 (carbamoyl-phosphate synthase 1; plus strand). Cytogenetic location: 2q34.
Variant type: single nucleotide variant.
Coding change: c.4404+5A>T on transcript NM_001875.5 (MANE Select); 5 bases into the intron after coding-DNA position 4404, A replaced by T.
Molecular consequence: intron variant.
Genome position (GRCh38, 1-based): chr2:210,677,141, A>T. VCF-style: chr2-210677141-A-T. GRCh37 (hg19) VCF-style: chr2-211541865-A-T.
Other names: c.4404+5A>T (NM_001369257.1, NM_001122633.3); c.4437+5A>T (NM_001369256.1).
Identifiers: ClinVar variation 680337 (VCV000680337.6), dbSNP rs375785288, ClinGen allele CA2087278.
Genomic context (GRCh38, chr2:210,677,141, plus strand): 5'-ATGTGATTCGGAGGACAGCTGTTGATAGTGGAATCCCTCTCCTCACTAATTTTCAGGTAT[A>T]GTCTTTTCCTTGGATATAGACTGGATGGGAGTTTTATTTCTGTGCCTCCCTTAAGAGTGT-3'

ClinVar aggregate classification (germline): Conflicting classifications of pathogenicity. Review status: criteria provided, conflicting classifications (1 of 4 stars). 3 submissions from 3 submitters: Uncertain significance (2); Likely benign (1). Last evaluated 2022-07-28.

Conditions:
Congenital hyperammonemia, type I. Also called: CPS I DEFICIENCY; Carbamoyl phosphate synthetase 1 deficiency; Hyperammonemia due to carbamoyl phosphate synthetase 1 deficiency; CPS 1 deficiency; Carbamyl phosphate synthetase (CPS) deficiency; Carbamoyl phosphate synthetase I deficiency disease. Identifiers: Orphanet 147, MedGen C4082171, MONDO:0009376, OMIM 237300.

Allele frequency attached by ClinVar (database versions not stated): gnomAD exomes 0.00001 and 0.00002; ExAC 0.00002; gnomAD 0.00003 and 0.00004; TOPMed 0.00005; ESP Exome Variant Server 0.00008.
gnomAD v4.1: 26 of 1,613,630 alleles (0.0016%); highest among the groups gnomAD compares: Non-Finnish European, 0.0022%; no homozygotes.

Submissions (3):

Labcorp Genetics (formerly Invitae), Labcorp
Classification: Uncertain significance for Congenital hyperammonemia, type I. Last evaluated: 2022-07-28. Review status: criteria provided, single submitter. Criteria: Invitae Variant Classification Sherloc (09022015). Collection method: clinical testing. Allele origin: germline.
Comment: This sequence change falls in intron 37 of the CPS1 gene. It does not directly change the encoded amino acid sequence of the CPS1 protein. It affects a nucleotide within the consensus splice site. This variant is present in population databases (rs375785288, gnomAD 0.006%). This variant has not been reported in the literature in individuals affected with CPS1-related conditions. ClinVar contains an entry for this variant (Variation ID: 680337). Variants that disrupt the consensus splice site are a relatively common cause of aberrant splicing (PMID: 17576681, 9536098). Algorithms developed to predict the effect of sequence changes on RNA splicing suggest that this variant is not likely to affect RNA splicing. In summary, the available evidence is currently insufficient to determine the role of this variant in disease. Therefore, it has been classified as a Variant of Uncertain Significance.

GeneDx
Classification: Likely benign. Last evaluated: 2018-03-20. Review status: criteria provided, single submitter. Criteria: GeneDx Variant Classification (06012015). Collection method: clinical testing. Allele origin: germline. Affected: yes.
Comment: This variant is considered likely benign or benign based on one or more of the following criteria: it is a conservative change, it occurs at a poorly conserved position in the protein, it is predicted to be benign by multiple in silico algorithms, and/or has population frequency not consistent with disease.

Illumina Laboratory Services, Illumina
Classification: Uncertain significance for Congenital hyperammonemia, type I. Last evaluated: 2018-01-12. Review status: criteria provided, single submitter. Criteria: ICSL Variant Classification Criteria 13 December 2019. Collection method: clinical testing. Allele origin: germline.

Literature cited by the submitters: PubMed 17576681 (cited by Labcorp Genetics (formerly Invitae), Labcorp); PubMed 9536098 (cited by Labcorp Genetics (formerly Invitae), Labcorp).